The following is an entry in ClinVar:

NM_014956.5(CEP164):c.2110del (p.Glu704fs)

Gene: CEP164 (centrosomal protein 164; plus strand). Cytogenetic location: 11q23.3.
Variant type: Deletion.
Coding change: c.2110del on transcript NM_014956.5 (MANE Select); coding-DNA position 2110, one base deleted (G; older notation c.2110delG).
Protein change: p.Glu704fs; shifts the reading frame from glutamic acid 704.
Molecular consequence: frameshift variant.
Genome position (GRCh38, 1-based): chr11:117,391,042, G deleted; the last of 2 consecutive G bases (chr11:117,391,041-117,391,042); deleting either gives the same sequence. VCF-style (leftmost placement, unchanged base first): chr11-117391040-TG-T. GRCh37 (hg19) VCF-style: chr11-117261756-TG-T.
Other names: c.2110delG (NM_014956.4); c.2119del, p.Glu707fs (NM_001271933.2); short protein forms E704fs, E707fs.
Identifiers: ClinVar variation 3599057 (VCV003599057.3).

ClinVar aggregate classification (germline): Pathogenic/Likely pathogenic. Review status: criteria provided, multiple submitters, no conflicts (2 of 4 stars). 3 submissions from 3 submitters: Pathogenic (1); Likely pathogenic (2). Last evaluated 2026-01-21.

Conditions:
CEP164-related disorder. Also called: CEP164-related condition.
Nephronophthisis 15 (NPHP15). Identifiers: Orphanet 3156, MedGen C3541853, MONDO:0013917, OMIM 614845.

Submissions (3):

PreventionGenetics, part of Exact Sciences
Classification: Likely pathogenic for CEP164-related condition. Last evaluated: 2026-01-21. Review status: criteria provided, single submitter. Criteria: ACMG Guidelines, 2015. Collection method: clinical testing. Allele origin: germline.
Comment: The CEP164 c.2110delG variant is predicted to result in a frameshift and premature protein termination (p.Glu704Serfs*26). This variant has not been reported in the literature or in a large population database (gnomAD), indicating this variant is rare. Frameshift variants in CEP164 are expected to be pathogenic. This variant is interpreted as likely pathogenic.

Labcorp Genetics (formerly Invitae), Labcorp
Classification: Pathogenic for Nephronophthisis 15. Last evaluated: 2025-11-01. Review status: criteria provided, single submitter. Criteria: Invitae Variant Classification Sherloc (09022015). Collection method: clinical testing. Allele origin: germline.
Comment: This sequence change creates a premature translational stop signal (p.Glu704Serfs*26) in the CEP164 gene. It is expected to result in an absent or disrupted protein product. Loss-of-function variants in CEP164 are known to be pathogenic (PMID: 22863007, 28125082, 32367404, 34132027, 34499853). This variant is not present in population databases (gnomAD no frequency). This variant has not been reported in the literature in individuals affected with CEP164-related conditions. ClinVar contains an entry for this variant (Variation ID: 3599057). For these reasons, this variant has been classified as Pathogenic.

Fulgent Genetics
Classification: Likely pathogenic for Nephronophthisis 15. Last evaluated: 2024-05-16. Review status: criteria provided, single submitter. Criteria: ACMG Guidelines, 2015. Collection method: clinical testing. Allele origin: germline.

Literature cited by the submitters: PubMed 22863007 (cited by Labcorp Genetics (formerly Invitae), Labcorp); PubMed 28125082 (cited by Labcorp Genetics (formerly Invitae), Labcorp); PubMed 32367404 (cited by Labcorp Genetics (formerly Invitae), Labcorp); PubMed 34132027 (cited by Labcorp Genetics (formerly Invitae), Labcorp); PubMed 34499853 (cited by Labcorp Genetics (formerly Invitae), Labcorp).